The following is an entry in ClinVar:

ClinVar aggregate classification (germline): Pathogenic (1 of 4 stars; one submission).

Conditions:
Marfan syndrome (MFS). Also called: MARFAN SYNDROME, TYPE I; Marfan syndrome type 1; Marfan's syndrome; Marfan syndrome, classic; FBN1-Related Marfan Syndrome. Identifiers: Orphanet 284963, Orphanet 558, MedGen C0024796, MONDO:0007947, OMIM 154700.
Familial thoracic aortic aneurysm and aortic dissection (TAAD). Also called: Thoracic aortic aneurysms and dissections. Identifiers: Orphanet 91387, MedGen C4707243, MONDO:0019625.

Submission:

Labcorp Genetics (formerly Invitae), Labcorp
Classification: Pathogenic for Marfan syndrome; Familial thoracic aortic aneurysm and aortic dissection. Last evaluated: 2023-06-29. Review status: criteria provided, single submitter. Criteria: Invitae Variant Classification Sherloc (09022015). Collection method: clinical testing. Allele origin: germline.
Comment: For these reasons, this variant has been classified as Pathogenic. This premature translational stop signal has been observed in individual(s) with Marfan syndrome (PMID: 31098894). This variant is not present in population databases (gnomAD no frequency). This sequence change creates a premature translational stop signal (p.Thr1342Asnfs*8) in the FBN1 gene. It is expected to result in an absent or disrupted protein product. Loss-of-function variants in FBN1 are known to be pathogenic (PMID: 17657824, 19293843).

Literature cited by the submitters: PubMed 31098894; PubMed 17657824; PubMed 19293843.

NM_000138.5(FBN1):c.4024dup (p.Thr1342fs)

Gene: FBN1 (fibrillin 1; minus strand). Cytogenetic location: 15q21.1.
Variant type: Duplication.
Coding change: c.4024dup on transcript NM_000138.5 (MANE Select); coding-DNA position 4024, one base duplicated (A; older notation c.4024dupA).
Protein change: p.Thr1342fs; shifts the reading frame from threonine 1342.
Molecular consequence: frameshift variant.
Genome position (GRCh38, 1-based): chr15:48,474,591, T duplicated on the plus strand (A on the coding strand, the reverse complement: FBN1 is on the minus strand). VCF-style (leftmost placement, unchanged base first): chr15-48474590-G-GT. GRCh37 (hg19) VCF-style: chr15-48766787-G-GT.
Other names: c.4024dup, p.Thr1342fs (NM_001406716.1); short protein forms T1342fs.
Identifiers: ClinVar variation 2931855 (VCV002931855.3), dbSNP rs2505518741, ClinGen allele CA2695220640.